The following is an entry in ClinVar:

ClinVar aggregate classification (germline): Conflicting classifications of pathogenicity. Review status: criteria provided, conflicting classifications (1 of 4 stars). 3 submissions from 3 submitters: Uncertain significance (2); Likely benign (1). Last evaluated 2025-05-16.

Conditions:
Hereditary cancer-predisposing syndrome. Also called: Hereditary Cancer Syndrome; Hereditary neoplastic syndrome; Neoplastic Syndromes, Hereditary; Tumor predisposition. Identifiers: Orphanet 140162, MedGen C0027672, MeSH D009386, MONDO:0015356.
Hereditary breast ovarian cancer syndrome. Also called: Hereditary breast and ovarian cancer; Breast and ovarian cancer; Hereditary breast and ovarian cancer syndrome; Hereditary breast and/or ovarian cancer syndrome; BRCA1- and BRCA2-Associated Hereditary Breast and Ovarian Cancer; Hereditary breast and ovarian cancer syndrome (HBOC). Identifiers: Orphanet 145, MedGen C0677776, MeSH D061325, MONDO:0003582. Disease mechanism: loss of function.

Submissions (3):

Ambry Genetics
Classification: Likely benign for Hereditary cancer-predisposing syndrome. Last evaluated: 2025-05-16. Review status: criteria provided, single submitter. Criteria: Ambry Variant Classification Scheme 2023. Collection method: clinical testing. Allele origin: germline.

Quest Diagnostics Nichols Institute San Juan Capistrano
Classification: Uncertain significance. Last evaluated: 2024-11-10. Review status: criteria provided, single submitter. Criteria: Quest Diagnostics criteria. Collection method: clinical testing. Allele origin: unknown.
Comment: The BRCA2 c.9394A>C (p.Lys3132Gln) variant has not been reported in individuals with BRCA2-related conditions in the published literature. It also has not been reported in large, multi-ethnic general populations (Genome Aggregation Database). Analysis of this variant using bioinformatics tools for the prediction of the effect of amino acid changes on protein structure and function yielded conflicting predictions that this variant is benign or damaging. Based on the available information, we are unable to determine the clinical significance of this variant.

Labcorp Genetics (formerly Invitae), Labcorp
Classification: Uncertain significance for Hereditary breast ovarian cancer syndrome. Last evaluated: 2022-04-07. Review status: criteria provided, single submitter. Criteria: Invitae Variant Classification Sherloc (09022015). Collection method: clinical testing. Allele origin: germline.
Comment: In summary, the available evidence is currently insufficient to determine the role of this variant in disease. Therefore, it has been classified as a Variant of Uncertain Significance. Advanced modeling of protein sequence and biophysical properties (such as structural, functional, and spatial information, amino acid conservation, physicochemical variation, residue mobility, and thermodynamic stability) performed at Invitae indicates that this missense variant is not expected to disrupt BRCA2 protein function. ClinVar contains an entry for this variant (Variation ID: 441509). This variant has not been reported in the literature in individuals affected with BRCA2-related conditions. This variant is not present in population databases (gnomAD no frequency). This sequence change replaces lysine, which is basic and polar, with glutamine, which is neutral and polar, at codon 3132 of the BRCA2 protein (p.Lys3132Gln).

NM_000059.4(BRCA2):c.9394A>C (p.Lys3132Gln)

Gene: BRCA2 (BRCA2 DNA repair associated; plus strand). Cytogenetic location: 13q13.1.
Variant type: single nucleotide variant.
Coding change: c.9394A>C on transcript NM_000059.4 (MANE Select); coding-DNA position 9394, A replaced by C.
Protein change: p.Lys3132Gln; replaces lysine 3132 with glutamine.
Molecular consequence: missense variant.
Genome position (GRCh38, 1-based): chr13:32,394,826, A>C. VCF-style: chr13-32394826-A-C. GRCh37 (hg19) VCF-style: chr13-32968963-A-C.
Other names: short protein forms K3132Q.
Identifiers: ClinVar variation 441509 (VCV000441509.13), dbSNP rs1555289577, ClinGen allele CA387761330.